The following is an entry in ClinVar:

NM_020458.4(TTC7A):c.2381A>C (p.His794Pro)

Gene: TTC7A (tetratricopeptide repeat domain 7A; plus strand). Cytogenetic location: 2p21.
Variant type: single nucleotide variant.
Coding change: c.2381A>C on transcript NM_020458.4 (MANE Select); coding-DNA position 2381, A replaced by C.
Protein change: p.His794Pro; replaces histidine 794 with proline.
Molecular consequence: missense variant.
Genome position (GRCh38, 1-based): chr2:47,073,727, A>C. VCF-style: chr2-47073727-A-C. GRCh37 (hg19) VCF-style: chr2-47300866-A-C.
Other names: c.2453A>C, p.His818Pro (NM_001288951.2); c.2279A>C, p.His760Pro (NM_001288953.2); c.1319A>C, p.His440Pro (NM_001288955.2); short protein forms H794P, H440P, H760P, H818P.
Identifiers: ClinVar variation 3710046 (VCV003710046.1).

ClinVar aggregate classification (germline): Uncertain significance (1 of 4 stars; one submission).

Conditions:
Multiple gastrointestinal atresias. Also called: FAMILIAL INTESTINAL POLYATRESIA SYNDROME; Multiple intestinal atresia. Identifiers: Orphanet 2300, MedGen C0220744, MONDO:0009465.

Submission:

Labcorp Genetics (formerly Invitae), Labcorp
Classification: Uncertain significance for Multiple gastrointestinal atresias. Last evaluated: 2024-06-03. Review status: criteria provided, single submitter. Criteria: Invitae Variant Classification Sherloc (09022015). Collection method: clinical testing. Allele origin: germline.
Comment: This sequence change replaces histidine, which is basic and polar, with proline, which is neutral and non-polar, at codon 794 of the TTC7A protein (p.His794Pro). This variant is present in population databases (no rsID available, gnomAD 0.01%). This variant has not been reported in the literature in individuals affected with TTC7A-related conditions. Advanced modeling of protein sequence and biophysical properties (such as structural, functional, and spatial information, amino acid conservation, physicochemical variation, residue mobility, and thermodynamic stability) performed at Invitae indicates that this missense variant is not expected to disrupt TTC7A protein function with a negative predictive value of 80%. In summary, the available evidence is currently insufficient to determine the role of this variant in disease. Therefore, it has been classified as a Variant of Uncertain Significance.